The following is an entry in ClinVar:

ClinVar aggregate classification (germline): Likely pathogenic (1 of 4 stars; one submission).

Conditions:
Inborn genetic diseases. Identifiers: MedGen C0950123, MeSH D030342.

Submission:

Ambry Genetics
Classification: Likely pathogenic for Inborn genetic diseases. Last evaluated: 2017-07-05. Review status: criteria provided, single submitter. Criteria: Ambry Variant Classification Scheme 2023. Collection method: clinical testing. Allele origin: germline.
Comment: The p.I3351F variant (also known as c.10051A>T), located in coding exon 52 of the DYNC1H1 gene, results from an A to T substitution at nucleotide position 10051. The isoleucine at codon 3351 is replaced by phenylalanine, an amino acid with highly similar properties. This variant has been determined to be the result of a de novo mutation or germline mosaicism in one family with an isolated case of DYNC1H1-related neurological disorder. This alteration is located in the microtubule-binding stalk of dynein motor domain and is indicated to be structurally disruptive (Ambry internal data; Mocz G et al. Structure, 2001 Feb;9:93-103; Kon T et al. Nature, 2012 Mar;484:345-50; Schmidt H et al. Nature, 2015 Feb;518:435-8; Bhabha G et al. Cell, 2014 Nov;159:857-68). This amino acid position is highly conserved in available vertebrate species. In addition, this alteration is predicted to be deleterious by in silico analysis. Based on the majority of available evidence to date, this variant is likely to be pathogenic.

Literature cited by the submitters: PubMed 11250194; PubMed 22398446; PubMed 25417161; PubMed 25470043.

NM_001376.5(DYNC1H1):c.10051A>T (p.Ile3351Phe)

Gene: DYNC1H1 (dynein cytoplasmic 1 heavy chain 1; plus strand). Cytogenetic location: 14q32.31.
Variant type: single nucleotide variant.
Coding change: c.10051A>T on transcript NM_001376.5 (MANE Select); coding-DNA position 10051, A replaced by T.
Protein change: p.Ile3351Phe; replaces isoleucine 3351 with phenylalanine.
Molecular consequence: missense variant.
Genome position (GRCh38, 1-based): chr14:102,032,439, A>T. VCF-style: chr14-102032439-A-T. GRCh37 (hg19) VCF-style: chr14-102498776-A-T.
Other names: short protein forms I3351F.
Identifiers: ClinVar variation 590003 (VCV000590003.5), dbSNP rs1567018763, ClinGen allele CA391021128.